The following is an entry in ClinVar:

ClinVar aggregate classification (germline): Likely pathogenic. Review status: criteria provided, multiple submitters, no conflicts (2 of 4 stars). 4 submissions from 4 submitters: Likely pathogenic (4). Last evaluated 2024-01-22.

Conditions:
Hereditary cancer-predisposing syndrome. Also called: Hereditary Cancer Syndrome; Neoplastic Syndromes, Hereditary; Tumor predisposition; Hereditary neoplastic syndrome. Identifiers: Orphanet 140162, MedGen C0027672, MeSH D009386, MONDO:0015356.
Hereditary breast ovarian cancer syndrome. Also called: Hereditary breast and ovarian cancer syndrome; Hereditary breast and ovarian cancer syndrome (HBOC); Breast and ovarian cancer; Hereditary breast and/or ovarian cancer syndrome; Hereditary breast and ovarian cancer; BRCA1- and BRCA2-Associated Hereditary Breast and Ovarian Cancer. Identifiers: Orphanet 145, MedGen C0677776, MeSH D061325, MONDO:0003582. Disease mechanism: loss of function.
Familial cancer of breast. Also called: BREAST CANCER, FAMILIAL; Hereditary breast cancer; hereditary breast carcinoma. Identifiers: Orphanet 227535, MedGen C0346153, MONDO:0016419, OMIM 114480. Disease mechanism: loss of function.

Submissions (4):

Color Diagnostics, LLC DBA Color Health
Classification: Likely pathogenic for Hereditary cancer-predisposing syndrome. Last evaluated: 2024-01-22. Review status: criteria provided, single submitter. Criteria: ACMG Guidelines, 2015. Collection method: clinical testing. Allele origin: germline.
Comment: This variant is located in the PALB2 protein. To our knowledge, functional studies have not been reported for this variant. This variant has not been reported in individuals affected with PALB2-related disorders in the literature.This variant causes a T>C nucleotide substitution at the +2 position of intron 9 of the PALB2 gene. Splice site prediction tools suggest that this variant may have a significant impact on RNA splicing, although this prediction has not been confirmed in published RNA studies. The skipping of exon 9 is predicted to cause the in-frame deletion of 54 amino acids (p.Ala946_Gly999del) in the functionally important WD40-repeat domain of the protein (PMID: 25833843). This variant also creates an alternative donor site beginning with a GC dinucleotide. Some GC variant donor sites have been shown to generate variable levels of wild-type transcript (PMID: 31131953). Hence, this variant could be less penetrant than a conventional splice donor site loss variant. To our knowledge, this variant has not been reported in individuals affected with PALB2-related disorders in the literature. This variant has not been identified in the general population by the Genome Aggregation Database (gnomAD). Based on the available evidence, this variant is classified as Likely Pathogenic.

Quest Diagnostics Nichols Institute San Juan Capistrano
Classification: Likely pathogenic. Last evaluated: 2023-07-18. Review status: criteria provided, single submitter. Criteria: Quest Diagnostics criteria. Collection method: clinical testing. Allele origin: unknown.
Comment: The PALB2 c.2996+2T>C variant has not been reported in individuals with PALB2-related conditions in the published literature. It also has not been reported in large, multi-ethnic general populations (Genome Aggregation Database). Based on the available information, this variant is classified as likely pathogenic.

Women's Health and Genetics/Laboratory Corporation of America, LabCorp
Classification: Likely pathogenic for Hereditary breast and ovarian cancer syndrome. Last evaluated: 2020-11-19. Review status: criteria provided, single submitter. Criteria: LabCorp Variant Classification Summary - May 2015. Collection method: clinical testing. Allele origin: germline.
Comment: Variant summary: PALB2 c.2996+2T>C is located in a canonical splice-site and is predicted to affect mRNA splicing resulting in a significantly altered protein due to either exon skipping, shortening, or inclusion of intronic material. Several computational tools predict a significant impact on normal splicing: Four predict that the variant abolishes or weakens a 5-prime splicing donor site. However, these predictions have yet to be confirmed by functional studies. The variant was absent in 251452 control chromosomes. To our knowledge, no occurrence of c.2996+2T>C in individuals affected with Hereditary Breast And Ovarian Cancer Syndrome and no experimental evidence demonstrating its impact on protein function have been reported. No clinical diagnostic laboratories have submitted clinical-significance assessments for this variant to ClinVar after 2014. Based on the evidence outlined above, the variant was classified as likely pathogenic.

Labcorp Genetics (formerly Invitae), Labcorp
Classification: Likely pathogenic for Familial cancer of breast. Last evaluated: 2020-08-02. Review status: criteria provided, single submitter. Criteria: Invitae Variant Classification Sherloc (09022015). Collection method: clinical testing. Allele origin: germline.
Comment: This variant has not been reported in the literature in individuals with PALB2-related conditions. This variant is not present in population databases (ExAC no frequency). This sequence change affects a donor splice site in intron 9 of the PALB2 gene. It is expected to disrupt RNA splicing and likely results in an absent or disrupted protein product. Algorithms developed to predict the effect of sequence changes on RNA splicing suggest that this variant may disrupt the consensus splice site, but this prediction has not been confirmed by published transcriptional studies. In summary, the currently available evidence indicates that the variant is pathogenic, but additional data are needed to prove that conclusively. Therefore, this variant has been classified as Likely Pathogenic. Donor and acceptor splice site variants typically lead to a loss of protein function (PMID: 16199547), and loss-of-function variants in PALB2 are known to be pathogenic (PMID: 17200668, 24136930, 25099575).

Literature cited by the submitters: PubMed 25833843 (cited by Color Diagnostics, LLC DBA Color Health); PubMed 31131953 (cited by Color Diagnostics, LLC DBA Color Health); PubMed 16199547 (cited by Labcorp Genetics (formerly Invitae), Labcorp); PubMed 17200668 (cited by Labcorp Genetics (formerly Invitae), Labcorp); PubMed 24136930 (cited by Labcorp Genetics (formerly Invitae), Labcorp); PubMed 25099575 (cited by Labcorp Genetics (formerly Invitae), Labcorp).

NM_024675.4(PALB2):c.2996+2T>C

Gene: PALB2 (partner and localizer of BRCA2; minus strand). Cytogenetic location: 16p12.2.
Variant type: single nucleotide variant.
Coding change: c.2996+2T>C on transcript NM_024675.4 (MANE Select); the canonical splice donor site of the intron after coding-DNA position 2996, T replaced by C.
Molecular consequence: splice donor variant. On other transcripts: intron variant (1).
Genome position (GRCh38, 1-based): chr16:23,622,967, A>G on the plus strand (T>C on the coding strand, the complement: PALB2 is on the minus strand). VCF-style: chr16-23622967-A-G. GRCh37 (hg19) VCF-style: chr16-23634288-A-G.
Other names: c.2111+2T>C (NM_001407308.1, NM_001407306.1, NM_001407309.1 and 4 more transcripts); c.530+2T>C (NM_001407314.1); c.1208+2T>C (NM_001407313.1, NM_001407312.1); c.2936+2T>C (NM_001407296.1); c.2924+2T>C (NM_001407297.1); c.2834+2T>C (NM_001407302.1, NM_001407298.1); c.2834+1042T>C (NM_001407300.1); c.2996+2T>C (NM_001407299.1, NM_001407301.1); and 1 more.
Identifiers: ClinVar variation 987831 (VCV000987831.11), dbSNP rs1966797789, ClinGen allele CA395143815.